The following is an entry in ClinVar:

NM_006180.6(NTRK2):c.1808G>A (p.Arg603His)

Gene: NTRK2 (neurotrophic receptor tyrosine kinase 2; plus strand). Cytogenetic location: 9q21.33.
Variant type: single nucleotide variant.
Coding change: c.1808G>A on transcript NM_006180.6 (MANE Select); coding-DNA position 1808, G replaced by A.
Protein change: p.Arg603His; replaces arginine 603 with histidine.
Molecular consequence: missense variant.
Genome position (GRCh38, 1-based): chr9:84,948,505, G>A. VCF-style: chr9-84948505-G-A. GRCh37 (hg19) VCF-style: chr9-87563420-G-A.
Other names: c.1760G>A, p.Arg587His (NM_001018064.3, NM_001369532.1, NM_001369533.1); c.1724G>A, p.Arg575His (NM_001369534.1); c.1292G>A, p.Arg431His (NM_001369535.1); c.1340G>A, p.Arg447His (NM_001369536.1); c.1808G>A, p.Arg603His (NM_001381928.1); short protein forms R431H, R447H, R575H, R587H, R603H.
Identifiers: ClinVar variation 2636750 (VCV002636750.3), dbSNP rs183344464, ClinGen allele CA195814399.

ClinVar aggregate classification (germline): Uncertain significance. Review status: criteria provided, multiple submitters, no conflicts (2 of 4 stars). 2 submissions from 2 submitters: Uncertain significance (2). Last evaluated 2025-11-17.

Conditions:
NTRK2-related disorder. Also called: NTRK2-related condition.

Allele frequency attached by ClinVar (database versions not stated): TOPMed 0.00001; gnomAD 0.00002; 1000 Genomes Project 30x 0.00016; 1000 Genomes Project 0.00020; gnomAD exomes 0.00001.
gnomAD v4.1: 14 of 1,614,116 alleles (0.00087%); highest among the groups gnomAD compares: East Asian, 0.0022%; no homozygotes.

Submissions (2):

Labcorp Genetics (formerly Invitae), Labcorp
Classification: Uncertain significance. Last evaluated: 2025-11-17. Review status: criteria provided, single submitter. Criteria: Invitae Variant Classification Sherloc (09022015). Collection method: clinical testing. Allele origin: germline.
Comment: This sequence change replaces arginine, which is basic and polar, with histidine, which is basic and polar, at codon 603 of the NTRK2 protein (p.Arg603His). This variant is present in population databases (rs183344464, gnomAD 0.003%). This variant has not been reported in the literature in individuals affected with NTRK2-related conditions. ClinVar contains an entry for this variant (Variation ID: 2636750). Invitae Evidence Modeling of protein sequence and biophysical properties (such as structural, functional, and spatial information, amino acid conservation, physicochemical variation, residue mobility, and thermodynamic stability) indicates that this missense variant is not expected to disrupt NTRK2 protein function with a negative predictive value of 80%. In summary, the available evidence is currently insufficient to determine the role of this variant in disease. Therefore, it has been classified as a Variant of Uncertain Significance.

PreventionGenetics, part of Exact Sciences
Classification: Uncertain significance for NTRK2-related condition. Last evaluated: 2023-01-12. Review status: criteria provided, single submitter. Criteria: ACMG Guidelines, 2015. Collection method: clinical testing. Allele origin: germline.
Comment: The NTRK2 c.1808G>A variant is predicted to result in the amino acid substitution p.Arg603His. To our knowledge, this variant has not been reported in the literature. This variant is reported in 0.0054% of alleles in individuals of East Asian descent in gnomAD. At this time, the clinical significance of this variant is uncertain due to the absence of conclusive functional and genetic evidence.